The following is an entry in ClinVar:

ClinVar aggregate classification (germline): Uncertain significance (1 of 4 stars; one submission).

Conditions:
Emery-Dreifuss muscular dystrophy 4, autosomal dominant (EDMD4). Also called: EMERY-DREIFUSS MUSCULAR DYSTROPHY 4 WITH VARIABLE FEATURES. Identifiers: Orphanet 261, MedGen C2751807, MONDO:0013071, OMIM 612998.
Autosomal recessive ataxia, Beauce type. Also called: Spinocerebellar ataxia, autosomal recessive 8; ATAXIA, RECESSIVE, OF BEAUCE; SYNE1 Deficiency; SYNE1-Related Autosomal Recessive Cerebellar Ataxia. Identifiers: Orphanet 88644, MedGen C1853116, MONDO:0012549, OMIM 610743.

Allele frequency attached by ClinVar (database versions not stated): TOPMed below 0.00001; ExAC 0.00001; gnomAD 0.00003; gnomAD exomes below 0.00001.
gnomAD v4.1: 6 of 1,614,066 alleles (0.00037%); highest among the groups gnomAD compares: African/African-American, 0.0027%; no homozygotes.

Submission:

Labcorp Genetics (formerly Invitae), Labcorp
Classification: Uncertain significance for Emery-Dreifuss muscular dystrophy 4, autosomal dominant; Autosomal recessive ataxia, Beauce type. Last evaluated: 2022-08-10. Review status: criteria provided, single submitter. Criteria: Invitae Variant Classification Sherloc (09022015). Collection method: clinical testing. Allele origin: germline.
Comment: This sequence change replaces glutamic acid, which is acidic and polar, with lysine, which is basic and polar, at codon 6309 of the SYNE1 protein (p.Glu6309Lys). This variant is present in population databases (rs758159968, gnomAD 0.002%). This variant has not been reported in the literature in individuals affected with SYNE1-related conditions. ClinVar contains an entry for this variant (Variation ID: 1052011). Algorithms developed to predict the effect of missense changes on protein structure and function (SIFT, PolyPhen-2, Align-GVGD) all suggest that this variant is likely to be disruptive. In summary, the available evidence is currently insufficient to determine the role of this variant in disease. Therefore, it has been classified as a Variant of Uncertain Significance.

NM_182961.4(SYNE1):c.19138G>A (p.Glu6380Lys)

Gene: SYNE1 (spectrin repeat containing nuclear envelope protein 1; minus strand). Cytogenetic location: 6q25.2.
Variant type: single nucleotide variant.
Coding change: c.19138G>A on transcript NM_182961.4 (MANE Select); coding-DNA position 19138, G replaced by A.
Protein change: p.Glu6380Lys; replaces glutamic acid 6380 with lysine.
Molecular consequence: missense variant.
Genome position (GRCh38, 1-based): chr6:152,255,713, C>T on the plus strand (G>A on the coding strand, the complement: SYNE1 is on the minus strand). VCF-style: chr6-152255713-C-T. GRCh37 (hg19) VCF-style: chr6-152576848-C-T.
Other names: c.18925G>A, p.Glu6309Lys (NM_033071.5); short protein forms E6309K, E6380K.
Identifiers: ClinVar variation 1052011 (VCV001052011.6), dbSNP rs758159968, ClinGen allele CA4054752.